The following is an entry in ClinVar:

ClinVar aggregate classification (germline): Pathogenic (1 of 4 stars; one submission).

Conditions:
Hypertrophic cardiomyopathy 26. Also called: Cardiomyopathy, familial hypertrophic, 26. Identifiers: Orphanet 75249, MedGen C4310749, MONDO:0014883, OMIM 617047.
Myofibrillar myopathy 5. Also called: Filaminopathy (type); FILAMINOPATHY, AUTOSOMAL DOMINANT. Identifiers: Orphanet 171445, MedGen C1836050, MONDO:0012289, OMIM 609524.
Distal myopathy with posterior leg and anterior hand involvement. Also called: WILLIAMS DISTAL MYOPATHY. Identifiers: Orphanet 63273, MedGen C3279722, MONDO:0013550, OMIM 614065.

Submission:

Labcorp Genetics (formerly Invitae), Labcorp
Classification: Pathogenic for Distal myopathy with posterior leg and anterior hand involvement; Myofibrillar myopathy 5; Hypertrophic cardiomyopathy 26. Last evaluated: 2026-01-28. Review status: criteria provided, single submitter. Criteria: Invitae Variant Classification Sherloc (09022015). Collection method: clinical testing. Allele origin: germline.
Comment: This sequence change creates a premature translational stop signal (p.Met370Leufs*33) in the FLNC gene. It is expected to result in an absent or disrupted protein product. Loss-of-function variants in FLNC are known to be pathogenic (PMID: 27908349). This variant is not present in population databases (gnomAD no frequency). This variant has not been reported in the literature in individuals affected with FLNC-related conditions. For these reasons, this variant has been classified as Pathogenic.

Literature cited by the submitters: PubMed 27908349.

NM_001458.5(FLNC):c.1107_1108insCTCAAAGGGC (p.Met370fs)

Gene: FLNC (filamin C; plus strand). Cytogenetic location: 7q32.1.
Variant type: Insertion.
Coding change: c.1107_1108insCTCAAAGGGC on transcript NM_001458.5 (MANE Select); coding-DNA positions 1107 to 1108, CTCAAAGGGC inserted.
Protein change: p.Met370fs; shifts the reading frame from methionine 370.
Molecular consequence: frameshift variant.
Genome position: GRCh38 VCF-style: chr7-128838322-T-TGGGCCTCAAA. GRCh37 (hg19) VCF-style: chr7-128478376-T-TGGGCCTCAAA.
Other names: c.1107_1108insCTCAAAGGGC, p.Met370fs (NM_001127487.2); short protein forms M370fs.
Identifiers: ClinVar variation 4812587 (VCV004812587.1).